The following is an entry in ClinVar:

NM_004618.5(TOP3A):c.2065G>T (p.Val689Leu)

Gene: TOP3A (DNA topoisomerase III alpha; minus strand). Cytogenetic location: 17p11.2.
Variant type: single nucleotide variant.
Coding change: c.2065G>T on transcript NM_004618.5 (MANE Select); coding-DNA position 2065, G replaced by T.
Protein change: p.Val689Leu; replaces valine 689 with leucine.
Molecular consequence: missense variant.
Genome position (GRCh38, 1-based): chr17:18,280,615, C>A on the plus strand (G>T on the coding strand, the complement: TOP3A is on the minus strand). VCF-style: chr17-18280615-C-A. GRCh37 (hg19) VCF-style: chr17-18183929-C-A.
Other names: c.1780G>T, p.Val594Leu (NM_001320759.2); short protein forms V594L, V689L.
Identifiers: ClinVar variation 2964032 (VCV002964032.3), dbSNP rs759228569, ClinGen allele CA8429703.

ClinVar aggregate classification (germline): Uncertain significance (1 of 4 stars; one submission).

Allele frequency attached by ClinVar (database versions not stated): gnomAD exomes below 0.00001; ExAC 0.00001.

Submission:

Labcorp Genetics (formerly Invitae), Labcorp
Classification: Uncertain significance. Last evaluated: 2023-07-27. Review status: criteria provided, single submitter. Criteria: Invitae Variant Classification Sherloc (09022015). Collection method: clinical testing. Allele origin: germline.
Comment: In summary, the available evidence is currently insufficient to determine the role of this variant in disease. Therefore, it has been classified as a Variant of Uncertain Significance. This sequence change replaces valine, which is neutral and non-polar, with leucine, which is neutral and non-polar, at codon 689 of the TOP3A protein (p.Val689Leu). This variant is present in population databases (rs759228569, gnomAD 0.002%). This variant has not been reported in the literature in individuals affected with TOP3A-related conditions. Algorithms developed to predict the effect of missense changes on protein structure and function output the following: SIFT: "Not Available"; PolyPhen-2: "Benign"; Align-GVGD: "Not Available". The leucine amino acid residue is found in multiple mammalian species, which suggests that this missense change does not adversely affect protein function.